The following is an entry in ClinVar:

NM_001244008.2(KIF1A):c.3357C>G (p.Asp1119Glu)

Gene: KIF1A (kinesin family member 1A; minus strand). Cytogenetic location: 2q37.3.
Variant type: single nucleotide variant.
Coding change: c.3357C>G on transcript NM_001244008.2 (MANE Select); coding-DNA position 3357, C replaced by G.
Protein change: p.Asp1119Glu; replaces aspartic acid 1119 with glutamic acid.
Molecular consequence: missense variant.
Genome position (GRCh38, 1-based): chr2:240,745,755, G>C on the plus strand (C>G on the coding strand, the complement: KIF1A is on the minus strand). VCF-style: chr2-240745755-G-C. GRCh37 (hg19) VCF-style: chr2-241685172-G-C.
Other names: c.3081C>G, p.Asp1027Glu (NM_001320705.2, NM_001330289.2, NM_001379638.1); c.3156C>G, p.Asp1052Glu (NM_001330290.2, NM_001379634.1, NM_001379635.1 and 1 more transcripts); c.3432C>G, p.Asp1144Glu (NM_001379631.1); c.3306C>G, p.Asp1102Glu (NM_001379632.1); c.3330C>G, p.Asp1110Glu (NM_001379633.1, NM_001379642.1, NM_001379645.1); c.3054C>G, p.Asp1018Glu (NM_001379636.1, NM_001379639.1, NM_001379641.1 and 5 more transcripts); c.3129C>G, p.Asp1043Glu (NM_001379637.1, NM_001379648.1); c.3051C>G, p.Asp1017Glu (NM_001379640.1); short protein forms D1102E, D1110E, D1017E, D1119E, D1027E, D1043E, D1018E, D1052E.
Identifiers: ClinVar variation 1503661 (VCV001503661.6), dbSNP rs2125791096, ClinGen allele CA351317745.

ClinVar aggregate classification (germline): Uncertain significance (1 of 4 stars; one submission).

Conditions:
Hereditary spastic paraplegia 30. Identifiers: Orphanet 101010, MedGen C5235139, MONDO:0012476.
Neuropathy, hereditary sensory, type 2C. Also called: KIF1A-Related HSAN2 (HSAN2C); Hereditary sensory and autonomic neuropathy type IIC. Identifiers: Orphanet 970, MedGen C3280168, MONDO:0013634, OMIM 614213.
Intellectual disability, autosomal dominant 9 (NESCAVS). Also called: KIF1A-Related Neurodevelopmental Disorder; NESCAV SYNDROME. Identifiers: Orphanet 662367, MedGen C5393830, MONDO:0013656, OMIM 614255.

Submission:

Labcorp Genetics (formerly Invitae), Labcorp
Classification: Uncertain significance for Hereditary spastic paraplegia 30; Neuropathy, hereditary sensory, type 2C; Intellectual disability, autosomal dominant 9. Last evaluated: 2023-04-24. Review status: criteria provided, single submitter. Criteria: Invitae Variant Classification Sherloc (09022015). Collection method: clinical testing. Allele origin: germline.
Comment: This variant has not been reported in the literature in individuals affected with KIF1A-related conditions. This variant is not present in population databases (gnomAD no frequency). This sequence change replaces aspartic acid, which is acidic and polar, with glutamic acid, which is acidic and polar, at codon 1018 of the KIF1A protein (p.Asp1018Glu). ClinVar contains an entry for this variant (Variation ID: 1503661). In summary, the available evidence is currently insufficient to determine the role of this variant in disease. Therefore, it has been classified as a Variant of Uncertain Significance. Advanced modeling of protein sequence and biophysical properties (such as structural, functional, and spatial information, amino acid conservation, physicochemical variation, residue mobility, and thermodynamic stability) performed at Invitae indicates that this missense variant is not expected to disrupt KIF1A protein function.